The following is an entry in ClinVar:

NM_018668.5(VPS33B):c.1840_1841delinsCT (p.Glu614Leu)

Gene: VPS33B (VPS33B late endosome and lysosome associated; minus strand). Cytogenetic location: 15q26.1.
Variant type: Indel.
Coding change: c.1840_1841delinsCT on transcript NM_018668.5 (MANE Select); coding-DNA positions 1840 to 1841, GA replaced by CT.
Protein change: p.Glu614Leu; replaces glutamic acid 614 with leucine.
Molecular consequence: missense variant.
Genome position (GRCh38, 1-based): chr15:90,998,988-90,998,989, TC replaced by AG on the plus strand (GA replaced by CT on the coding strand, the reverse complement: VPS33B is on the minus strand). VCF-style: chr15-90998988-TC-AG. GRCh37 (hg19) VCF-style: chr15-91542218-TC-AG.
Other names: c.1759_1760delinsCT, p.Glu587Leu (NM_001289148.1); c.1567_1568delinsCT, p.Glu523Leu (NM_001289149.1); short protein forms E614L, E523L, E587L.
Identifiers: ClinVar variation 1923363 (VCV001923363.6), dbSNP rs2544196443, ClinGen allele CA2580090286.
Genomic context (GRCh38, chr15:90,998,988, plus strand): 5'-CTGAGGAATGTGTTCAGGGAAGATGTCAACACTGGCCGGGAAAAACATCAGGCTTTCACC[TC>AG]ACTCATGGCCTCCATAAGGCGAGCGCTGTTTGTGACTGCTGTCGTCAGGAAAATGAACCT-3'
Protein context (NP_061138.3, residues 604-617): NSARLMEAMS[Glu614Leu]VKA

ClinVar aggregate classification (germline): Uncertain significance. Review status: criteria provided, multiple submitters, no conflicts (2 of 4 stars). 2 submissions from 2 submitters: Uncertain significance (2). Last evaluated 2025-06-12.

Conditions:
Arthrogryposis, renal dysfunction, and cholestasis 1 (ARCS1). Identifiers: Orphanet 2697, MedGen C1859722, MONDO:0008822, OMIM 208085.
Keratoderma-ichthyosis-deafness syndrome, autosomal recessive (KDIDAR). Identifiers: MedGen C5774200, MONDO:0859278, OMIM 620009.
Cholestasis, progressive familial intrahepatic, 12 (PFIC12). Also called: CHOLESTASIS, ISOLATED LOW-GGT. Identifiers: MedGen C5774311, MONDO:0031040, OMIM 620010.

Submissions (2):

Labcorp Genetics (formerly Invitae), Labcorp
Classification: Uncertain significance. Last evaluated: 2025-06-12. Review status: criteria provided, single submitter. Criteria: Invitae Variant Classification Sherloc (09022015). Collection method: clinical testing. Allele origin: germline.
Comment: This sequence change replaces glutamic acid, which is acidic and polar, with leucine, which is neutral and non-polar, at codon 614 of the VPS33B protein (p.Glu614Leu). This variant is present in population databases (no rsID available, gnomAD 0.003%). This variant has not been reported in the literature in individuals affected with VPS33B-related conditions. ClinVar contains an entry for this variant (Variation ID: 1923363). An algorithm developed to predict the effect of missense changes on protein structure and function (PolyPhen-2) suggests that this variant is likely to be disruptive. In summary, the available evidence is currently insufficient to determine the role of this variant in disease. Therefore, it has been classified as a Variant of Uncertain Significance.

Fulgent Genetics
Classification: Uncertain significance for Arthrogryposis, renal dysfunction, and cholestasis 1; Keratoderma-ichthyosis-deafness syndrome, autosomal recessive; Cholestasis, progressive familial intrahepatic, 12. Last evaluated: 2024-02-01. Review status: criteria provided, single submitter. Criteria: ACMG Guidelines, 2015. Collection method: clinical testing. Allele origin: germline.